The following is an entry in ClinVar:

ClinVar aggregate classification (germline): Likely pathogenic (1 of 4 stars; one submission).

Conditions:
Hypogonadotropic hypogonadism 26 with or without anosmia (HH26). Identifiers: MedGen C5676903, MONDO:0030534, OMIM 619718.
TCF12-related craniosynostosis. Also called: Craniosynostosis 3. Identifiers: Orphanet 35098, Orphanet 35099, Orphanet 672979, MedGen C3715051, MONDO:0014128, OMIM 615314.

Submission:

Juno Genomics, Hangzhou Juno Genomics, Inc
Classification: Likely pathogenic for TCF12-related craniosynostosis; Hypogonadotropic hypogonadism 26 with or without anosmia. Review status: criteria provided, single submitter. Criteria: ACMG Guidelines, 2015. Collection method: clinical testing. Allele origin: germline.
Comment: Null variant in a gene where loss of function (LOF) is a known mechanism of disease.;Absent from controls (or at extremely low frequency if recessive) in Genome Aggregation Database.

NM_207037.2(TCF12):c.390+1G>C

Gene: TCF12 (transcription factor 12; plus strand). Cytogenetic location: 15q21.3.
Variant type: single nucleotide variant.
Coding change: c.390+1G>C on transcript NM_207037.2 (MANE Select); the canonical splice donor site of the intron after coding-DNA position 390, G replaced by C.
Molecular consequence: splice donor variant.
Genome position (GRCh38, 1-based): chr15:57,166,467, G>C. VCF-style: chr15-57166467-G-C. GRCh37 (hg19) VCF-style: chr15-57458665-G-C.
Other names: c.390+1G>C (NM_001322151.2, NM_001322159.3, NM_001322157.3 and 7 more transcripts); c.216+1G>C (NM_001322156.2, NM_001322158.2); c.-263+1G>C (NM_001322154.2); c.426+1G>C (NM_001322164.2).
Identifiers: ClinVar variation 5005437 (VCV005005437.2).
Genomic context (GRCh38, chr15:57,166,467, plus strand): 5'-ACATCAGAGAGAGGCTCATTTTCCCTGTACAGCAGAGATACTGGATTACCAGGCTGTCAA[G>C]TAAGTTTAATGATTAAAAAAAGCAATGAGATGGTTTTTAAACACATAAATAAAGGCTCTA-3'